The following is an entry in ClinVar:

ClinVar aggregate classification (germline): Uncertain significance (1 of 4 stars; one submission).

Conditions:
Bethlem myopathy 1A. Also called: Bethlem myopathy 1; MYOPATHY, BENIGN CONGENITAL, WITH CONTRACTURES; Bethlem Muscular Dystrophy. Identifiers: Orphanet 610, MedGen CN029274, MONDO:0024530, OMIM 158810.

Allele frequency attached by ClinVar (database versions not stated): ExAC 0.00001; gnomAD 0.00001; gnomAD exomes 0.00001; TOPMed 0.00001.
gnomAD v4.1: 5 of 1,613,074 alleles (0.00031%); highest among the groups gnomAD compares: Non-Finnish European, 0.00034%; no homozygotes.

Submission:

Labcorp Genetics (formerly Invitae), Labcorp
Classification: Uncertain significance for Bethlem myopathy 1A. Last evaluated: 2023-11-27. Review status: criteria provided, single submitter. Criteria: Invitae Variant Classification Sherloc (09022015). Collection method: clinical testing. Allele origin: germline.
Comment: This sequence change falls in intron 41 of the COL6A3 gene. It does not directly change the encoded amino acid sequence of the COL6A3 protein. It affects a nucleotide within the consensus splice site. This variant is present in population databases (rs749872311, gnomAD 0.0009%). This variant has not been reported in the literature in individuals affected with COL6A3-related conditions. ClinVar contains an entry for this variant (Variation ID: 569960). Variants that disrupt the consensus splice site are a relatively common cause of aberrant splicing (PMID: 17576681, 9536098). Algorithms developed to predict the effect of sequence changes on RNA splicing suggest that this variant may disrupt the consensus splice site. In summary, the available evidence is currently insufficient to determine the role of this variant in disease. Therefore, it has been classified as a Variant of Uncertain Significance.

Literature cited by the submitters: PubMed 17576681; PubMed 9536098.

NM_004369.4(COL6A3):c.9229+4A>C

Gene: COL6A3 (collagen type VI alpha 3 chain; minus strand). Cytogenetic location: 2q37.3.
Variant type: single nucleotide variant.
Coding change: c.9229+4A>C on transcript NM_004369.4 (MANE Select); 4 bases into the intron after coding-DNA position 9229, A replaced by C.
Molecular consequence: intron variant.
Genome position (GRCh38, 1-based): chr2:237,334,622, T>G on the plus strand (A>C on the coding strand, the complement: COL6A3 is on the minus strand). VCF-style: chr2-237334622-T-G. GRCh37 (hg19) VCF-style: chr2-238243265-T-G.
Other names: c.7408+4A>C (NM_057166.5); c.8611+4A>C (NM_057167.4).
Identifiers: ClinVar variation 569960 (VCV000569960.7), dbSNP rs749872311, ClinGen allele CA2187326.